The following is an entry in ClinVar:

NM_017986.4(SLC52A1):c.158_171del (p.Val53fs)

Gene: SLC52A1 (solute carrier family 52 member 1; minus strand). Cytogenetic location: 17p13.2.
Variant type: Deletion.
Coding change: c.158_171del on transcript NM_017986.4 (MANE Select); coding-DNA positions 158 to 171, 14 bases deleted (TGGTTGTGGCGCTG).
Protein change: p.Val53fs; shifts the reading frame from valine 53.
Molecular consequence: frameshift variant.
Genome position (GRCh38, 1-based): chr17:5,034,318-5,034,331, CAGCGCCACAACCA deleted on the plus strand (TGGTTGTGGCGCTG on the coding strand, the reverse complement: SLC52A1 is on the minus strand); deleting any 14 consecutive bases within chr17:5,034,318-5,034,334 gives the same sequence; the c. name uses the placement nearest the transcript's 3' end. VCF-style (leftmost placement, unchanged base first): chr17-5034317-CCAGCGCCACAACCA-C. GRCh37 (hg19) VCF-style: chr17-4937612-CCAGCGCCACAACCA-C.
Other names: c.158_171del, p.Val53fs (NM_001104577.2); short protein forms V53fs.
Identifiers: ClinVar variation 2018932 (VCV002018932.4), dbSNP rs2508263718, ClinGen allele CA2580093533.

ClinVar aggregate classification (germline): Uncertain significance (1 of 4 stars; one submission).

Conditions:
Vitamin B2 deficiency. Identifiers: MedGen C0035528.

Submission:

Labcorp Genetics (formerly Invitae), Labcorp
Classification: Uncertain significance for Vitamin B2 deficiency. Last evaluated: 2022-07-22. Review status: criteria provided, single submitter. Criteria: Invitae Variant Classification Sherloc (09022015). Collection method: clinical testing. Allele origin: germline.
Comment: In summary, the available evidence is currently insufficient to determine the role of this variant in disease. Therefore, it has been classified as a Variant of Uncertain Significance. This variant has not been reported in the literature in individuals affected with SLC52A1-related conditions. This variant is not present in population databases (gnomAD no frequency). This sequence change creates a premature translational stop signal (p.Val53Glyfs*72) in the SLC52A1 gene. It is expected to result in an absent or disrupted protein product. However, the current clinical and genetic evidence is not sufficient to establish whether loss-of-function variants in SLC52A1 cause disease.